The following is an entry in ClinVar:

NM_138393.4(REEP6):c.340G>A (p.Val114Met)

Gene: REEP6 (receptor accessory protein 6; plus strand). Cytogenetic location: 19p13.3.
Variant type: single nucleotide variant.
Coding change: c.340G>A on transcript NM_138393.4 (MANE Select); coding-DNA position 340, G replaced by A.
Protein change: p.Val114Met; replaces valine 114 with methionine.
Molecular consequence: missense variant.
Genome position (GRCh38, 1-based): chr19:1,495,599, G>A. VCF-style: chr19-1495599-G-A. GRCh37 (hg19) VCF-style: chr19-1495598-G-A.
Other names: c.340G>A, p.Val114Met (NM_001329556.3); c.340G>A (NM_138393.1); short protein forms V114M.
Identifiers: ClinVar variation 849377 (VCV000849377.6), dbSNP rs763003060, ClinGen allele CA9047491.

ClinVar aggregate classification (germline): Uncertain significance. Review status: criteria provided, multiple submitters, no conflicts (2 of 4 stars). 2 submissions from 2 submitters: Uncertain significance (2). Last evaluated 2024-08-19.

Conditions:
Inborn genetic diseases. Identifiers: MedGen C0950123, MeSH D030342.

Allele frequency attached by ClinVar (database versions not stated): ExAC 0.00001; gnomAD exomes 0.00001 and 0.00002; TOPMed 0.00002; gnomAD 0.00010 and 0.00011.
gnomAD v4.1: 36 of 1,613,890 alleles (0.0022%); highest among the groups gnomAD compares: Admixed American, 0.025%; no homozygotes.

Submissions (2):

Ambry Genetics
Classification: Uncertain significance for Inborn genetic diseases. Last evaluated: 2024-08-19. Review status: criteria provided, single submitter. Criteria: Ambry Variant Classification Scheme 2023. Collection method: clinical testing. Allele origin: germline.

Labcorp Genetics (formerly Invitae), Labcorp
Classification: Uncertain significance. Last evaluated: 2022-06-08. Review status: criteria provided, single submitter. Criteria: Invitae Variant Classification Sherloc (09022015). Collection method: clinical testing. Allele origin: germline.
Comment: This sequence change replaces valine, which is neutral and non-polar, with methionine, which is neutral and non-polar, at codon 114 of the REEP6 protein (p.Val114Met). This variant is present in population databases (rs763003060, gnomAD 0.009%). This variant has not been reported in the literature in individuals affected with REEP6-related conditions. ClinVar contains an entry for this variant (Variation ID: 849377). Experimental studies and prediction algorithms are not available or were not evaluated, and the functional significance of this variant is currently unknown. In summary, the available evidence is currently insufficient to determine the role of this variant in disease. Therefore, it has been classified as a Variant of Uncertain Significance.